The following is an entry in ClinVar:

NM_080680.3(COL11A2):c.1446+6T>C

Gene: COL11A2 (collagen type XI alpha 2 chain; minus strand). Cytogenetic location: 6p21.32.
Variant type: single nucleotide variant.
Coding change: c.1446+6T>C on transcript NM_080680.3 (MANE Select); 6 bases into the intron after coding-DNA position 1446, T replaced by C.
Molecular consequence: intron variant.
Genome position (GRCh38, 1-based): chr6:33,179,713, A>G on the plus strand (T>C on the coding strand, the complement: COL11A2 is on the minus strand). VCF-style: chr6-33179713-A-G. GRCh37 (hg19) VCF-style: chr6-33147490-A-G.
Other names: c.1125+6T>C (NM_080679.3); c.1188+6T>C (NM_080681.3).
Identifiers: ClinVar variation 1387229 (VCV001387229.5), dbSNP rs1771471522, ClinGen allele CA1087644345.
Genomic context (GRCh38, chr6:33,179,713, plus strand): 5'-TCACTCCAGCCAACCCTTCCAGTGCCCCCCAGAGCCTTCCCTTTCCAGGGAAGCAGCCCC[A>G]CTCACCCTCGCCTGCTGCAGGATCGCCTGGGCCTGAGCCTCCTGGGCCGCCACCACAGGG-3'

ClinVar aggregate classification (germline): Uncertain significance (1 of 4 stars; one submission).

Allele frequency attached by ClinVar (database versions not stated): TOPMed 0.00001.

Submission:

Labcorp Genetics (formerly Invitae), Labcorp
Classification: Uncertain significance. Last evaluated: 2025-09-17. Review status: criteria provided, single submitter. Criteria: Invitae Variant Classification Sherloc (09022015). Collection method: clinical testing. Allele origin: germline.
Comment: This sequence change falls in intron 13 of the COL11A2 gene. It does not directly change the encoded amino acid sequence of the COL11A2 protein. It affects a nucleotide within the consensus splice site. This variant is not present in population databases (gnomAD no frequency). This variant has not been reported in the literature in individuals affected with COL11A2-related conditions. ClinVar contains an entry for this variant (Variation ID: 1387229). Variants that disrupt the consensus splice site are a relatively common cause of aberrant splicing (PMID: 17576681, 9536098). Algorithms developed to predict the effect of sequence changes on RNA splicing suggest that this variant is not likely to affect RNA splicing. In summary, the available evidence is currently insufficient to determine the role of this variant in disease. Therefore, it has been classified as a Variant of Uncertain Significance.

Literature cited by the submitters: PubMed 17576681; PubMed 9536098.